The following is an entry in ClinVar:

NM_014714.4(IFT140):c.69G>T (p.Trp23Cys)

Genes: IFT140 (intraflagellar transport 140; minus strand), LOC105371046 (uncharacterized LOC105371046; plus strand). Cytogenetic location: 16p13.3.
Variant type: single nucleotide variant.
Coding change: c.69G>T on transcript NM_014714.4 (MANE Select); coding-DNA position 69, G replaced by T.
Protein change: p.Trp23Cys; replaces tryptophan 23 with cysteine.
Molecular consequence: missense variant.
Genome position (GRCh38, 1-based): chr16:1,607,198, C>A on the plus strand (G>T on the coding strand, the complement: IFT140 is on the minus strand). VCF-style: chr16-1607198-C-A. GRCh37 (hg19) VCF-style: chr16-1657199-C-A.
Other names: short protein forms W23C.
Identifiers: ClinVar variation 1360545 (VCV001360545.6), dbSNP rs139141440, ClinGen allele CA7814843.
Genomic context (GRCh38, chr16:1,607,198, plus strand): 5'-CACGCTGCCTGTTGAGGTTGTGCTGATGTAAGCAACTGCCAAGAATGGATGGACAGGGTG[C>A]CAGCTGATAAATGAGGGTGACCCTGCTGCATCCGGGGCTTCTATCTGGTGGTCATAATAG-3'
Protein context (NP_055529.2, residues 13-33): DAAGSPSFIS[Trp23Cys]HPVHPFLAVA

ClinVar aggregate classification (germline): Uncertain significance (1 of 4 stars; one submission).

Conditions:
Saldino-Mainzer syndrome (SRTD9). Also called: CONORENAL SYNDROME; Renal dysplasia, retinal pigmentary dystrophy, cerebellar ataxia and skeletal dysplasia; SHORT-RIB THORACIC DYSPLASIA 9 WITHOUT POLYDACTYLY; short-rib thoracic dysplasia 9 with or without polydactyly. Identifiers: Orphanet 140969, MedGen C1849437, MONDO:0009964, OMIM 266920.

Allele frequency attached by ClinVar (database versions not stated): TOPMed 0.00002; gnomAD 0.00003 and 0.00004; ESP Exome Variant Server 0.00008.
gnomAD v4.1: 6 of 1,613,968 alleles (0.00037%); highest among the groups gnomAD compares: African/African-American, 0.008%; no homozygotes.

Submission:

Labcorp Genetics (formerly Invitae), Labcorp
Classification: Uncertain significance for Saldino-Mainzer syndrome. Last evaluated: 2021-11-27. Review status: criteria provided, single submitter. Criteria: Invitae Variant Classification Sherloc (09022015). Collection method: clinical testing. Allele origin: germline.
Comment: Algorithms developed to predict the effect of missense changes on protein structure and function are either unavailable or do not agree on the potential impact of this missense change (SIFT: "Deleterious"; PolyPhen-2: "Probably Damaging"; Align-GVGD: "Class C0"). In summary, the available evidence is currently insufficient to determine the role of this variant in disease. Therefore, it has been classified as a Variant of Uncertain Significance. This sequence change replaces tryptophan, which is neutral and slightly polar, with cysteine, which is neutral and slightly polar, at codon 23 of the IFT140 protein (p.Trp23Cys). This variant is present in population databases (rs139141440, gnomAD 0.01%). This variant has not been reported in the literature in individuals affected with IFT140-related conditions.